The following is an entry in ClinVar:

NM_000213.5(ITGB4):c.4558+289G>A

Genes: GALK1 (galactokinase 1; minus strand), ITGB4 (integrin subunit beta 4; plus strand). Cytogenetic location: 17q25.1.
Variant type: single nucleotide variant.
Coding change: c.4558+289G>A on transcript NM_000213.5 (MANE Select); 289 bases into the intron after coding-DNA position 4558, G replaced by A.
Molecular consequence: intron variant. On other transcripts: nonsense (1).
Genome position (GRCh38, 1-based): chr17:75,755,104, G>A. VCF-style: chr17-75755104-G-A. GRCh37 (hg19) VCF-style: chr17-73751185-G-A.
Other names: c.4398G>A, p.Trp1466Ter (NM_001005619.2); c.4348+289G>A (NM_001005731.3, NM_001438834.1, NM_001321123.2); c.*22+2930C>T (NM_001381985.1); short protein forms W1466*.
Identifiers: ClinVar variation 3907556 (VCV003907556.1).

ClinVar aggregate classification (germline): Likely benign (1 of 4 stars; one submission).

gnomAD v4.1: 23 of 1,606,062 alleles (0.0014%); highest among the groups gnomAD compares: Non-Finnish European, 0.0019%; no homozygotes.

Submission:

Women's Health and Genetics/Laboratory Corporation of America, LabCorp
Classification: Likely benign. Last evaluated: 2025-06-24. Review status: criteria provided, single submitter. Criteria: LabCorp Variant Classification Summary - May 2015. Collection method: clinical testing. Allele origin: germline.
Comment: Variant summary: ITGB4 c.4348+289G>A is located at a position not widely known to affect splicing. Consensus agreement among computation tools predict no significant impact on normal splicing. However, these predictions have yet to be confirmed by functional studies. The variant allele was found at a frequency of 8.6e-06 in 233334 control chromosomes. The available data on variant occurrences in the general population are insufficient to allow any conclusion about variant significance. To our knowledge, no occurrence of c.4348+289G>A in individuals affected with Junctional Epidermolysis Bullosa and no experimental evidence demonstrating its impact on protein function have been reported. No submitters have cited clinical-significance assessments for this variant to ClinVar. Based on the evidence outlined above, the variant was classified as likely benign.